The following is an entry in ClinVar:

NM_003483.6(HMGA2):c.250-36302G>A

Gene: HMGA2 (high mobility group AT-hook 2; plus strand). Cytogenetic location: 12q14.3.
Variant type: single nucleotide variant.
Coding change: c.250-36302G>A on transcript NM_003483.6 (MANE Select); 36302 bases into the intron before coding-DNA position 250, G replaced by A.
Molecular consequence: intron variant. On other transcripts: 3 prime UTR variant (1), missense variant (1).
Genome position (GRCh38, 1-based): chr12:65,915,081, G>A. VCF-style: chr12-65915081-G-A. GRCh37 (hg19) VCF-style: chr12-66308861-G-A.
Other names: c.*167G>A (NM_001300919.1); c.272G>A, p.Ser91Asn (NM_003484.1); c.250-36302G>A (NM_001300918.1); short protein forms S91N.
Identifiers: ClinVar variation 2582132 (VCV002582132.1), dbSNP rs2499068331, ClinGen allele CA385680017.
Genomic context (GRCh38, chr12:65,915,081, plus strand): 5'-TTCATGCCATATGCCCCATCCTGATGTCATATCCACAGGACAATCTACTACCAAGAACCA[G>A]CTCCAAGAAGAAAACATCTCTGGGAAACAGTACCAAAAGGAGTCACTGAATTGTCATTGG-3'

ClinVar aggregate classification (germline): Uncertain significance (1 of 4 stars; one submission).

Submission:

GeneDx
Classification: Uncertain significance. Last evaluated: 2023-03-29. Review status: criteria provided, single submitter. Criteria: GeneDx Variant Classification Process June 2021. Collection method: clinical testing. Allele origin: germline. Affected: yes.
Comment: Not observed at significant frequency in large population cohorts (gnomAD); In silico analysis supports that this variant does not alter splicing; Has not been previously published as pathogenic or benign to our knowledge